The following is an entry in ClinVar:

NM_000069.3(CACNA1S):c.4008G>A (p.Lys1336=)

Gene: CACNA1S (calcium voltage-gated channel subunit alpha1 S; minus strand). Cytogenetic location: 1q32.1.
Variant type: single nucleotide variant.
Coding change: c.4008G>A on transcript NM_000069.3 (MANE Select); coding-DNA position 4008, G replaced by A.
Protein change: p.Lys1336=; no amino-acid change (lysine 1336 retained).
Molecular consequence: synonymous variant.
Genome position (GRCh38, 1-based): chr1:201,051,089, C>T on the plus strand (G>A on the coding strand, the complement: CACNA1S is on the minus strand). VCF-style: chr1-201051089-C-T. GRCh37 (hg19) VCF-style: chr1-201020217-C-T.
Identifiers: ClinVar variation 1083151 (VCV001083151.10), dbSNP rs374426148, ClinGen allele CA083033.

ClinVar aggregate classification (germline): Likely benign. Review status: criteria provided, multiple submitters, no conflicts (2 of 4 stars). 2 submissions from 2 submitters: Likely benign (2). Last evaluated 2025-07-27.

Conditions:
Hypokalemic periodic paralysis, type 1. Also called: HypoPP; Hypokalemic Periodic Paralysis Type 1 (AD). Identifiers: Orphanet 681, MedGen C3714580, MONDO:0042979, OMIM 170400.
Malignant hyperthermia, susceptibility to, 5 (MHS5). Also called: CACNA1S-Related Malignant Hyperthermia Susceptibility. Identifiers: Orphanet 423, MedGen C1866077, MONDO:0011163, OMIM 601887.

Allele frequency attached by ClinVar (database versions not stated): gnomAD exomes 0.00001 and 0.00002; ExAC 0.00002; gnomAD 0.00002; TOPMed 0.00002; ESP Exome Variant Server 0.00008.
gnomAD v4.1: 21 of 1,614,142 alleles (0.0013%); highest among the groups gnomAD compares: Non-Finnish European, 0.0017%; no homozygotes.

Submissions (2):

Labcorp Genetics (formerly Invitae), Labcorp
Classification: Likely benign for Hypokalemic periodic paralysis, type 1; Malignant hyperthermia, susceptibility to, 5. Last evaluated: 2025-07-27. Review status: criteria provided, single submitter. Criteria: Invitae Variant Classification Sherloc (09022015). Collection method: clinical testing. Allele origin: germline.

All of Us Research Program, National Institutes of Health
Classification: Likely benign for Malignant hyperthermia, susceptibility to, 5. Last evaluated: 2023-08-28. Review status: criteria provided, single submitter. Criteria: ACMG Guidelines, 2015. Collection method: clinical testing. Allele origin: germline. Inheritance: Autosomal dominant inheritance. Observed: 4 variant alleles, 4 heterozygotes.
Comment: This study involves interpretation of variants in research participants for the purpose of population health screening. Participant phenotype was not available at the time of variant classification. Additional details can be found in publication PMID: 35346344, PMCID: PMC8962531